The following is an entry in ClinVar:

ClinVar aggregate classification (germline): Uncertain significance (1 of 4 stars; one submission).

Submission:

Labcorp Genetics (formerly Invitae), Labcorp
Classification: Uncertain significance. Last evaluated: 2024-11-17. Review status: criteria provided, single submitter. Criteria: Invitae Variant Classification Sherloc (09022015). Collection method: clinical testing. Allele origin: germline.
Comment: This sequence change replaces valine, which is neutral and non-polar, with isoleucine, which is neutral and non-polar, at codon 1442 of the COL4A1 protein (p.Val1442Ile). This variant is not present in population databases (gnomAD no frequency). This variant has not been reported in the literature in individuals affected with COL4A1-related conditions. Invitae Evidence Modeling of protein sequence and biophysical properties (such as structural, functional, and spatial information, amino acid conservation, physicochemical variation, residue mobility, and thermodynamic stability) indicates that this missense variant is not expected to disrupt COL4A1 protein function with a negative predictive value of 95%. In summary, the available evidence is currently insufficient to determine the role of this variant in disease. Therefore, it has been classified as a Variant of Uncertain Significance.

NM_001845.6(COL4A1):c.4324G>A (p.Val1442Ile)

Gene: COL4A1 (collagen type IV alpha 1 chain; minus strand). Cytogenetic location: 13q34.
Variant type: single nucleotide variant.
Coding change: c.4324G>A on transcript NM_001845.6 (MANE Select); coding-DNA position 4324, G replaced by A.
Protein change: p.Val1442Ile; replaces valine 1442 with isoleucine.
Molecular consequence: missense variant.
Genome position (GRCh38, 1-based): chr13:110,162,368, C>T on the plus strand (G>A on the coding strand, the complement: COL4A1 is on the minus strand). VCF-style: chr13-110162368-C-T. GRCh37 (hg19) VCF-style: chr13-110814715-C-T.
Other names: short protein forms V1442I.
Identifiers: ClinVar variation 3621688 (VCV003621688.2).